The following is an entry in ClinVar:

NM_032043.3(BRIP1):c.1032GAA[1] (p.Lys346del)

Gene: BRIP1 (BRCA1 interacting DNA helicase 1; minus strand). Cytogenetic location: 17q23.2.
Variant type: Microsatellite.
Coding change: c.1032GAA[1] on transcript NM_032043.3 (MANE Select); one copy of the 3-base unit GAA starting at c.1032; the reference has two copies in a row; one copy, 3 bases deleted.
Protein change: p.Lys346del; deletes lysine 346.
Molecular consequence: inframe deletion.
Genome position (GRCh38, 1-based): chr17:61,801,356-61,801,358, TTC deleted on the plus strand (GAA on the coding strand, the reverse complement: BRIP1 is on the minus strand); deleting any 3 consecutive bases within chr17:61,801,356-61,801,361 gives the same sequence; the position shown is the placement nearest the transcript's 3' end. VCF-style (leftmost placement, unchanged base first): chr17-61801355-TTTC-T. GRCh37 (hg19) VCF-style: chr17-59878716-TTTC-T.
Other names: c.1035_1037delGAA (NM_032043.2); short protein forms K346del.
Identifiers: ClinVar variation 1052152 (VCV001052152.11), dbSNP rs2145336622, ClinGen allele CA2580613192.

ClinVar aggregate classification (germline): Uncertain significance. Review status: criteria provided, multiple submitters, no conflicts (2 of 4 stars). 2 submissions from 2 submitters: Uncertain significance (2). Last evaluated 2023-04-11.

Conditions:
Fanconi anemia complementation group J. Also called: BRIP1-Related Fanconi Anemia. Identifiers: Orphanet 84, MedGen C1836860, MONDO:0012187, OMIM 609054.
Familial cancer of breast. Also called: hereditary breast carcinoma; Hereditary breast cancer; BREAST CANCER, FAMILIAL. Identifiers: Orphanet 227535, MedGen C0346153, MONDO:0016419, OMIM 114480. Disease mechanism: loss of function.
Hereditary cancer-predisposing syndrome. Also called: Hereditary Cancer Syndrome; Tumor predisposition; Hereditary neoplastic syndrome; Neoplastic Syndromes, Hereditary. Identifiers: Orphanet 140162, MedGen C0027672, MeSH D009386, MONDO:0015356.

Submissions (2):

Ambry Genetics
Classification: Uncertain significance for Hereditary cancer-predisposing syndrome. Last evaluated: 2023-04-11. Review status: criteria provided, single submitter. Criteria: Ambry Variant Classification Scheme 2023. Collection method: clinical testing. Allele origin: germline.
Comment: The c.1035_1037delGAA variant (also known as p.K346del) is located in coding exon 7 of the BRIP1 gene. This variant results from an in-frame GAA deletion at nucleotide positions 1035 to 1037. This results in the in-frame deletion of a lysine at codon 346. This amino acid position is well conserved in available vertebrate species. In addition, this alteration is predicted to be deleterious by in silico analysis (Choi Y et al. PLoS ONE. 2012; 7(10):e46688). Since supporting evidence is limited at this time, the clinical significance of this alteration remains unclear.

Labcorp Genetics (formerly Invitae), Labcorp
Classification: Uncertain significance for Familial cancer of breast; Fanconi anemia complementation group J. Last evaluated: 2020-08-21. Review status: criteria provided, single submitter. Criteria: Invitae Variant Classification Sherloc (09022015). Collection method: clinical testing. Allele origin: germline.
Comment: In summary, the available evidence is currently insufficient to determine the role of this variant in disease. Therefore, it has been classified as a Variant of Uncertain Significance. This variant has not been reported in the literature in individuals with BRIP1-related conditions. This variant is not present in population databases (ExAC no frequency). This variant, c.1035_1037del, results in the deletion of 1 amino acid(s) of the BRIP1 protein (p.Lys346del), but otherwise preserves the integrity of the reading frame.